The following is an entry in ClinVar:

ClinVar aggregate classification (germline): Uncertain significance (1 of 4 stars; one submission).

Conditions:
Hereditary motor and sensory neuropathy, Okinawa type (HMSNO). Also called: HEREDITARY MOTOR AND SENSORY NEUROPATHY, PROXIMAL TYPE. Identifiers: Orphanet 90117, MedGen C1858338, MONDO:0011468, OMIM 604484.
Hereditary spastic paraplegia 57. Also called: Spastic paraplegia 57, autosomal recessive. Identifiers: Orphanet 431329, MedGen C3714897, MONDO:0014295, OMIM 615658.

Submission:

Labcorp Genetics (formerly Invitae), Labcorp
Classification: Uncertain significance for Hereditary motor and sensory neuropathy, Okinawa type; Hereditary spastic paraplegia 57. Last evaluated: 2023-07-07. Review status: criteria provided, single submitter. Criteria: Invitae Variant Classification Sherloc (09022015). Collection method: clinical testing. Allele origin: germline.
Comment: This sequence change replaces glutamine, which is neutral and polar, with arginine, which is basic and polar, at codon 156 of the TFG protein (p.Gln156Arg). This variant is not present in population databases (gnomAD no frequency). This variant has not been reported in the literature in individuals affected with TFG-related conditions. ClinVar contains an entry for this variant (Variation ID: 849769). Advanced modeling of protein sequence and biophysical properties (such as structural, functional, and spatial information, amino acid conservation, physicochemical variation, residue mobility, and thermodynamic stability) performed at Invitae indicates that this missense variant is not expected to disrupt TFG protein function. In summary, the available evidence is currently insufficient to determine the role of this variant in disease. Therefore, it has been classified as a Variant of Uncertain Significance.

NM_006070.6(TFG):c.467A>G (p.Gln156Arg)

Gene: TFG (trafficking from ER to golgi regulator; plus strand). Cytogenetic location: 3q12.2.
Variant type: single nucleotide variant.
Coding change: c.467A>G on transcript NM_006070.6 (MANE Select); coding-DNA position 467, A replaced by G.
Protein change: p.Gln156Arg; replaces glutamine 156 with arginine.
Molecular consequence: missense variant.
Genome position (GRCh38, 1-based): chr3:100,732,559, A>G. VCF-style: chr3-100732559-A-G. GRCh37 (hg19) VCF-style: chr3-100451403-A-G.
Other names: c.467A>G, p.Gln156Arg (NM_001007565.2, NM_001195478.2, NM_001195479.2); short protein forms Q156R.
Identifiers: ClinVar variation 849769 (VCV000849769.11), dbSNP rs1244307042, ClinGen allele CA353844906.